The following is an entry in ClinVar:

ClinVar aggregate classification (germline): Pathogenic (1 of 4 stars; one submission).

Submission:

Labcorp Genetics (formerly Invitae), Labcorp
Classification: Pathogenic. Last evaluated: 2022-05-12. Review status: criteria provided, single submitter. Criteria: Invitae Variant Classification Sherloc (09022015). Collection method: clinical testing. Allele origin: germline.
Comment: This sequence change creates a premature translational stop signal (p.Ser925*) in the POLE gene. It is expected to result in an absent or disrupted protein product. Loss-of-function variants in POLE are known to be pathogenic (PMID: 23230001, 25948378, 30503519). For these reasons, this variant has been classified as Pathogenic. This variant has not been reported in the literature in individuals affected with POLE-related conditions. This variant is not present in population databases (gnomAD no frequency).

Literature cited by the submitters: PubMed 23230001; PubMed 25948378; PubMed 30503519.

NM_006231.4(POLE):c.2774C>G (p.Ser925Ter)

Gene: POLE (DNA polymerase epsilon, catalytic subunit; minus strand). Cytogenetic location: 12q24.33.
Variant type: single nucleotide variant.
Coding change: c.2774C>G on transcript NM_006231.4 (MANE Select); coding-DNA position 2774, C replaced by G.
Protein change: p.Ser925Ter; replaces serine 925 with a stop codon.
Molecular consequence: nonsense.
Genome position (GRCh38, 1-based): chr12:132,661,617, G>C on the plus strand (C>G on the coding strand, the complement: POLE is on the minus strand). VCF-style: chr12-132661617-G-C. GRCh37 (hg19) VCF-style: chr12-133238203-G-C.
Other names: short protein forms S925*.
Identifiers: ClinVar variation 2066651 (VCV002066651.4), dbSNP rs752724850, ClinGen allele CA387393848.
Genomic context (GRCh38, chr12:132,661,617, plus strand): 5'-GAGGCTGGAAGAATCATGGCAAGGTAGGGCCCATCAACCTCAAAAAAGATGCTGTTCTCT[G>C]AGCGGGTGACGTAGGTGAGTGAGGACGGCTCAGCCAGCTCCTGGTACTGGTCATTGGTGA-3'